The following is an entry in ClinVar:

ClinVar aggregate classification (germline): Uncertain significance. Review status: criteria provided, single submitter (1 of 4 stars). 2 submissions from 2 submitters: Uncertain significance (1). 1 of the submissions does not count toward it. Last evaluated 2022-06-13.

Conditions:
Cardiomyopathy (CMYO). Also called: Cardiomyopathies. Identifiers: Orphanet 167848, MedGen C0878544, MONDO:0004994, HP:0001638. Inheritance: Various modes of inheritance.
Dystrophin deficiency.
Duchenne muscular dystrophy (DMD). Also called: MUSCULAR DYSTROPHY, PSEUDOHYPERTROPHIC PROGRESSIVE, DUCHENNE TYPE; Duchenne Muscular Dystrophy (DMD). Identifiers: Orphanet 98896, MedGen C0013264, MONDO:0010679, OMIM 310200.
Becker muscular dystrophy (BMD). Also called: Becker Muscular Dystrophy (BMD); MUSCULAR DYSTROPHY, PSEUDOHYPERTROPHIC PROGRESSIVE, BECKER TYPE. Identifiers: Orphanet 98895, MedGen C0917713, MONDO:0010311, OMIM 300376.

Submissions (2):

Labcorp Genetics (formerly Invitae), Labcorp
Classification: Uncertain significance for Duchenne muscular dystrophy. Last evaluated: 2022-06-13. Review status: criteria provided, single submitter. Criteria: Invitae Variant Classification Sherloc (09022015). Collection method: clinical testing. Allele origin: germline.
Comment: This sequence change replaces leucine, which is neutral and non-polar, with valine, which is neutral and non-polar, at codon 2238 of the DMD protein (p.Leu2238Val). This variant is not present in population databases (gnomAD no frequency). This variant has not been reported in the literature in individuals affected with DMD-related conditions. Algorithms developed to predict the effect of missense changes on protein structure and function output the following: SIFT: "Deleterious"; PolyPhen-2: "Possibly Damaging"; Align-GVGD: "Class C25". The valine amino acid residue is found in multiple mammalian species, which suggests that this missense change does not adversely affect protein function. In summary, the available evidence is currently insufficient to determine the role of this variant in disease. Therefore, it has been classified as a Variant of Uncertain Significance.

Natera, Inc.
Classification: Uncertain significance for Becker muscular dystrophy; Cardiomyopathy; Duchenne muscular dystrophy; Dystrophin deficiency. Last evaluated: 2021-05-26. Review status: no assertion criteria provided. Collection method: clinical testing. Allele origin: germline. Not counted in ClinVar's aggregate classification.

NM_004006.3(DMD):c.6712C>G (p.Leu2238Val)

Gene: DMD (dystrophin; minus strand). Cytogenetic location: Xp21.1.
Variant type: single nucleotide variant.
Coding change: c.6712C>G on transcript NM_004006.3 (MANE Select); coding-DNA position 6712, C replaced by G.
Protein change: p.Leu2238Val; replaces leucine 2238 with valine.
Molecular consequence: missense variant. On other transcripts: 5 prime UTR variant (5).
Genome position (GRCh38, 1-based): chrX:31,932,130, G>C on the plus strand (C>G on the coding strand, the complement: DMD is on the minus strand). VCF-style: chrX-31932130-G-C. GRCh37 (hg19) VCF-style: chrX-31950247-G-C.
Other names: c.6688C>G, p.Leu2230Val (NM_000109.4); c.6700C>G, p.Leu2234Val (NM_004009.3); c.6343C>G, p.Leu2115Val (NM_004010.3); c.2689C>G, p.Leu897Val (NM_004011.4); c.2680C>G, p.Leu894Val (NM_004012.4); c.-669C>G (NM_004013.3, NM_004020.4, NM_004021.3 and 2 more transcripts); short protein forms L2115V, L2230V, L2234V, L2238V, L894V, L897V.
Identifiers: ClinVar variation 1026128 (VCV001026128.7), dbSNP rs2094862668, ClinGen allele CA412658201.